The following is an entry in ClinVar:

ClinVar aggregate classification (germline): Likely pathogenic (1 of 4 stars; one submission).

Conditions:
Holoprosencephaly sequence (HPE). Also called: Holoprosencephaly. Identifiers: Orphanet 2162, MedGen C0079541, MONDO:0016296, HP:0001360.

Allele frequency attached by ClinVar (database versions not stated): TOPMed 0.00001.

Submission:

Muenke lab, National Institutes of Health
Classification: Likely pathogenic for Holoprosencephaly sequence. Last evaluated: 2018-04-19. Review status: criteria provided, single submitter. Criteria: Submitter's publication. Collection method: research. Allele origin: not applicable. Inheritance: Autosomal dominant inheritance.
Comment: Multiple splicing algorithms agree that this affects splicing. The most potent FGF8 isoforms are predicted to be absent. ACMG considerations are met: PVS1;PM2;PP3;PP6.

NM_033163.5(FGF8):c.444+1G>A

Gene: FGF8 (fibroblast growth factor 8; minus strand). Cytogenetic location: 10q24.32.
Variant type: single nucleotide variant.
Coding change: c.444+1G>A on transcript NM_033163.5 (MANE Select); the canonical splice donor site of the intron after coding-DNA position 444, G replaced by A.
Molecular consequence: splice donor variant.
Genome position (GRCh38, 1-based): chr10:101,771,462, C>T on the plus strand (G>A on the coding strand, the complement: FGF8 is on the minus strand). VCF-style: chr10-101771462-C-T. GRCh37 (hg19) VCF-style: chr10-103531219-C-T.
Other names: NM_033164.3:IVS5+1G>A; c.132+1G>A (NM_001206389.2); c.324+1G>A (NM_033165.5); c.357+1G>A (NM_006119.6); c.411+1G>A (NM_033164.4).
Identifiers: ClinVar variation 545517 (VCV000545517.2), dbSNP rs1490604080, ClinGen allele CA377834232.